The following is an entry in ClinVar:

NM_015274.3(MAN2B2):c.1539+33A>G

Gene: MAN2B2 (mannosidase alpha class 2B member 2; plus strand). Cytogenetic location: 4p16.1.
Variant type: single nucleotide variant.
Coding change: c.1539+33A>G on transcript NM_015274.3 (MANE Select); 33 bases into the intron after coding-DNA position 1539, A replaced by G.
Molecular consequence: intron variant.
Genome position (GRCh38, 1-based): chr4:6,600,789, A>G. VCF-style: chr4-6600789-A-G. GRCh37 (hg19) VCF-style: chr4-6602516-A-G.
Other names: c.1386+33A>G (NM_001292038.2).
Identifiers: ClinVar variation 2687996 (VCV002687996.2), dbSNP rs12639813, ClinGen allele CA2840977.

ClinVar aggregate classification (germline): Benign (1 of 4 stars; one submission).

Allele frequency attached by ClinVar (database versions not stated): gnomAD exomes 0.47973; ExAC 0.48940; ESP Exome Variant Server 0.49085; gnomAD 0.49222; TOPMed 0.49984; 1000 Genomes Project 30x 0.52046; 1000 Genomes Project 0.52097.
gnomAD v4.1: 773,731 of 1,609,070 alleles (48%); highest among the groups gnomAD compares: East Asian, 66%; 187,821 homozygotes.

Submission:

Unidad de Genómica Garrahan, Hospital de Pediatría Garrahan
Classification: Benign. Last evaluated: 2024-01-24. Review status: criteria provided, single submitter. Criteria: ACMG Guidelines, 2015. Collection method: clinical testing. Allele origin: germline. Affected: no. Observed: 71 variant alleles.
Comment: This variant is classified as Benign based on local population frequency. This variant was detected in 75% of patients studied by a panel of primary immunodeficiencies. Number of patients: 71. Only high quality variants are reported.